The following is an entry in ClinVar:

ClinVar aggregate classification (germline): Conflicting classifications of pathogenicity. Review status: criteria provided, conflicting classifications (1 of 4 stars). 6 submissions from 6 submitters: Uncertain significance (1); Benign (1); Likely benign (2). 2 of the submissions do not count toward it. Last evaluated 2026-08-01.

Conditions:
GLUT1 deficiency syndrome 1, autosomal recessive. Identifiers: MedGen C3149117.

Allele frequency attached by ClinVar (database versions not stated): ExAC 0.00003; TOPMed 0.00003; gnomAD exomes 0.00004 and 0.00005; gnomAD 0.00005; ESP Exome Variant Server 0.00008.
gnomAD v4.1: 65 of 1,601,114 alleles (0.0041%); highest among the groups gnomAD compares: Middle Eastern, 0.049%; no homozygotes.

Submissions (6):

CeGaT Center for Human Genetics Tuebingen
Classification: Uncertain significance. Last evaluated: 2026-08-01. Review status: criteria provided, single submitter. Criteria: CeGaT Center For Human Genetics Tuebingen Variant Classification Criteria Version 2. Collection method: clinical testing. Allele origin: germline. Affected: yes. Observed: 2 variant alleles.
Comment: SLC2A1: PM2, BP4

Labcorp Genetics (formerly Invitae), Labcorp
Classification: Likely benign for GLUT1 deficiency syndrome 1, autosomal recessive. Last evaluated: 2026-01-09. Review status: criteria provided, single submitter. Criteria: Invitae Variant Classification Sherloc (09022015). Collection method: clinical testing. Allele origin: germline.

Athena Diagnostics
Classification: Benign. Last evaluated: 2024-12-09. Review status: criteria provided, single submitter. Criteria: Athena Diagnostics Criteria. Collection method: clinical testing. Allele origin: unknown.
Comment: The frequency of this variant in the general population is higher than would generally be expected for pathogenic variants in this gene. Computational tools yielded predictions that this variant is unlikely to have an effect on normal RNA splicing. This nucleotide position exhibits low evolutionary conservation.

GeneDx
Classification: Likely benign. Last evaluated: 2020-11-03. Review status: criteria provided, single submitter. Criteria: GeneDx Variant Classification Process June 2021. Collection method: clinical testing. Allele origin: germline. Affected: yes.

Clinical Genetics DNA and cytogenetics Diagnostics Lab, Erasmus MC, Erasmus Medical Center
Classification: Likely benign. Review status: no assertion criteria provided. Collection method: clinical testing. Allele origin: germline. Affected: yes. Study: VKGL Data-share Consensus. Not counted in ClinVar's aggregate classification.

Joint Genome Diagnostic Labs from Nijmegen and Maastricht, Radboudumc and MUMC+
Classification: Likely benign. Review status: no assertion criteria provided. Collection method: clinical testing. Allele origin: germline. Affected: yes. Study: VKGL Data-share Consensus. Not counted in ClinVar's aggregate classification.

NM_006516.4(SLC2A1):c.276-8G>A

Gene: SLC2A1 (solute carrier family 2 member 1; minus strand). Cytogenetic location: 1p34.2.
Variant type: single nucleotide variant.
Coding change: c.276-8G>A on transcript NM_006516.4 (MANE Select); 8 bases into the intron before coding-DNA position 276, G replaced by A.
Molecular consequence: intron variant.
Genome position (GRCh38, 1-based): chr1:42,930,874, C>T on the plus strand (G>A on the coding strand, the complement: SLC2A1 is on the minus strand). VCF-style: chr1-42930874-C-T. GRCh37 (hg19) VCF-style: chr1-43396545-C-T.
Identifiers: ClinVar variation 378604 (VCV000378604.57), dbSNP rs373084446, ClinGen allele CA803568.
Genomic context (GRCh38, chr1:42,930,874, plus strand): 5'-TGAGCACGGCGGACACGAAGGCCAGCAGGTTCATCATCAGCATTGAATTCCGCCTGGGGA[C>T]GGGGTCACAGGTCAGGCCAGTGCCCACATTCCTTGGGCTCCGAGGGGCTGGGTCAGAGGT-3'